The following is an entry in ClinVar:

ClinVar aggregate classification (germline): Uncertain significance. Review status: criteria provided, multiple submitters, no conflicts (2 of 4 stars). 2 submissions from 2 submitters: Uncertain significance (2). Last evaluated 2025-12-31.

Conditions:
Endometrial carcinoma. Also called: Endometrial carcinoma, somatic. Identifiers: MedGen C0476089, MONDO:0002447, OMIM 608089, HP:0012114.

Allele frequency attached by ClinVar (database versions not stated): gnomAD exomes below 0.00001; TOPMed below 0.00001; gnomAD 0.00001.
gnomAD v4.1: 8 of 1,607,668 alleles (0.0005%); highest among the groups gnomAD compares: Non-Finnish European, 0.0006%; no homozygotes.

Submissions (2):

Labcorp Genetics (formerly Invitae), Labcorp
Classification: Uncertain significance. Last evaluated: 2025-12-31. Review status: criteria provided, single submitter. Criteria: Invitae Variant Classification Sherloc (09022015). Collection method: clinical testing. Allele origin: germline.
Comment: This sequence change falls in intron 21 of the MSH3 gene. It does not directly change the encoded amino acid sequence of the MSH3 protein. RNA analysis indicates that this variant induces altered splicing and may result in an absent or altered protein product. This variant is not present in population databases (gnomAD no frequency). This variant has not been reported in the literature in individuals affected with MSH3-related conditions. ClinVar contains an entry for this variant (Variation ID: 656038). Studies have shown that this variant results in activation of cryptic splice sites as well asl exon 22 skipping, and produces a non-functional protein and/or introduces a premature termination codon (internal data). In summary, the available evidence is currently insufficient to determine the role of this variant in disease. Therefore, it has been classified as a Variant of Uncertain Significance.

Baylor Genetics
Classification: Uncertain significance for Endometrial carcinoma. Last evaluated: 2023-05-02. Review status: criteria provided, single submitter. Criteria: ACMG Guidelines, 2015. Collection method: clinical testing. Allele origin: unknown.

NM_002439.5(MSH3):c.3001-8T>A

Gene: MSH3 (mutS homolog 3; plus strand). Cytogenetic location: 5q14.1.
Variant type: single nucleotide variant.
Coding change: c.3001-8T>A on transcript NM_002439.5 (MANE Select); 8 bases into the intron before coding-DNA position 3001, T replaced by A.
Molecular consequence: intron variant.
Genome position (GRCh38, 1-based): chr5:80,864,805, T>A. VCF-style: chr5-80864805-T-A. GRCh37 (hg19) VCF-style: chr5-80160624-T-A.
Identifiers: ClinVar variation 656038 (VCV000656038.11), dbSNP rs1580098561, ClinGen allele CA915943378.